The following is an entry in ClinVar:

NM_000059.4(BRCA2):c.4124A>T (p.Glu1375Val)

Gene: BRCA2 (BRCA2 DNA repair associated; plus strand). Cytogenetic location: 13q13.1.
Variant type: single nucleotide variant.
Coding change: c.4124A>T on transcript NM_000059.4 (MANE Select); coding-DNA position 4124, A replaced by T.
Protein change: p.Glu1375Val; replaces glutamic acid 1375 with valine.
Molecular consequence: missense variant. On other transcripts: non-coding transcript variant (1), intron variant (2).
Genome position (GRCh38, 1-based): chr13:32,338,479, A>T. VCF-style: chr13-32338479-A-T. GRCh37 (hg19) VCF-style: chr13-32912616-A-T.
Other names: c.4124A>T, p.Glu1375Val (NM_001406719.1, NM_001406720.1, NM_001432077.1); c.1909+5092A>T (NM_001406721.1); c.425-6079A>T (NM_001406722.1); short protein forms E1375V.
Identifiers: ClinVar variation 3572353 (VCV003572353.2).

ClinVar aggregate classification (germline): Uncertain significance. Review status: criteria provided, multiple submitters, no conflicts (2 of 4 stars). 2 submissions from 2 submitters: Uncertain significance (2). Last evaluated 2024-12-05.

Submissions (2):

GeneDx
Classification: Uncertain significance. Last evaluated: 2024-12-05. Review status: criteria provided, single submitter. Criteria: GeneDx Variant Classification Process June 2021. Collection method: clinical testing. Allele origin: germline. Affected: yes.
Comment: Not observed at significant frequency in large population cohorts (gnomAD); In silico analysis supports that this missense variant has a deleterious effect on protein structure/function; Has not been previously published as pathogenic or benign to our knowledge; Also known as 4352A>T

Quest Diagnostics Nichols Institute San Juan Capistrano
Classification: Uncertain significance. Last evaluated: 2024-09-30. Review status: criteria provided, single submitter. Criteria: Quest Diagnostics criteria. Collection method: clinical testing. Allele origin: unknown.
Comment: The BRCA2 c.4124A>T (p.Glu1375Val) variant has not been reported in individuals with BRCA2-related conditions in the published literature. It also has not been reported in large, multi-ethnic general populations (Genome Aggregation Database). Analysis of this variant using bioinformatics tools for the prediction of the effect of amino acid changes on protein structure and function yielded predictions that this variant is benign. Additional analysis using software algorithms for the prediction of the effect of nucleotide changes on BRCA2 mRNA splicing yielded predictions that this variant may result in the gain of a cryptic splice site without affecting the natural splice sites. Based on the available information, we are unable to determine the clinical significance of this variant.